The following is an entry in ClinVar:

NM_015311.3(OBSL1):c.3604G>A (p.Ala1202Thr)

Gene: OBSL1 (obscurin like cytoskeletal adaptor 1; minus strand). Cytogenetic location: 2q35.
Variant type: single nucleotide variant.
Coding change: c.3604G>A on transcript NM_015311.3 (MANE Select); coding-DNA position 3604, G replaced by A.
Protein change: p.Ala1202Thr; replaces alanine 1202 with threonine.
Molecular consequence: missense variant.
Genome position (GRCh38, 1-based): chr2:219,558,009, C>T on the plus strand (G>A on the coding strand, the complement: OBSL1 is on the minus strand). VCF-style: chr2-219558009-C-T. GRCh37 (hg19) VCF-style: chr2-220422731-C-T.
Other names: c.3604G>A, p.Ala1202Thr (NM_001173431.2); short protein forms A1202T.
Identifiers: ClinVar variation 730214 (VCV000730214.15), dbSNP rs201887372, ClinGen allele CA2130803.

ClinVar aggregate classification (germline): Benign/Likely benign. Review status: criteria provided, multiple submitters, no conflicts (2 of 4 stars). 4 submissions from 4 submitters: Benign (2); Likely benign (2). Last evaluated 2026-06-04.

Conditions:
3M syndrome 2. Also called: 3-M Syndrome, OBSL1-Related; THREE M SYNDROME 2. Identifiers: Orphanet 2616, MedGen C2752041, MONDO:0013039, OMIM 612921.

Allele frequency attached by ClinVar (database versions not stated): gnomAD exomes 0.00021 and 0.00077; gnomAD 0.00027 and 0.00036; TOPMed 0.00050; ExAC 0.00088; 1000 Genomes Project 30x 0.00172; 1000 Genomes Project 0.00180.
gnomAD v4.1: 393 of 1,612,550 alleles (0.024%); highest among the groups gnomAD compares: East Asian, 0.62%; 2 homozygotes.

Submissions (4):

Women's Health and Genetics/Laboratory Corporation of America, LabCorp
Classification: Likely benign. Last evaluated: 2026-06-04. Review status: criteria provided, single submitter. Criteria: LabCorp Variant Classification Summary - May 2015. Collection method: clinical testing. Allele origin: germline.
Comment: Variant summary: OBSL1 c.3604G>A (p.Ala1202Thr) results in a non-conservative amino acid change in the encoded protein sequence. Algorithms developed to predict the effect of missense changes on protein structure and function are either unavailable or do not agree on the potential impact of this missense change. The variant allele was found at a frequency of 0.00077 in 242560 control chromosomes, predominantly at a frequency of 0.01 within the East Asian subpopulation in the gnomAD database. The observed variant frequency within East Asian control individuals in the gnomAD database exceeds the estimated maximal expected allele frequency for disease-causing variants in OBSL1. To our knowledge, no occurrence of c.3604G>A in individuals affected with OBSL1-related conditions and no experimental evidence demonstrating its impact on protein function have been reported. ClinVar contains an entry for this variant (Variation ID: 730214). Based on the evidence outlined above, the variant was classified as likely benign.

Labcorp Genetics (formerly Invitae), Labcorp
Classification: Benign. Last evaluated: 2026-02-04. Review status: criteria provided, single submitter. Criteria: Invitae Variant Classification Sherloc (09022015). Collection method: clinical testing. Allele origin: germline.

Blueprint Genetics
Classification: Likely benign. Last evaluated: 2024-10-28. Review status: criteria provided, single submitter. Criteria: ACMG Guidelines, 2015. Collection method: clinical testing. Allele origin: germline.

Illumina Laboratory Services, Illumina
Classification: Benign for 3M syndrome 2. Last evaluated: 2018-01-13. Review status: criteria provided, single submitter. Criteria: ICSL Variant Classification Criteria 13 December 2019. Collection method: clinical testing. Allele origin: germline.
Comment: This variant was observed in the ICSL laboratory as part of a predisposition screen in an ostensibly healthy population. It had not been previously curated by ICSL or reported in the Human Gene Mutation Database (HGMD: prior to June 1st, 2018), and was therefore a candidate for classification through an automated scoring system. Utilizing variant allele frequency, disease prevalence and penetrance estimates, and inheritance mode, an automated score was calculated to assess if this variant is too frequent to cause the disease. Based on the score and internal cut-off values, a variant classified as benign is not then subjected to further curation. The score for this variant resulted in a classification of benign for this disease.